The following is an entry in ClinVar:

ClinVar aggregate classification (germline): other (0 of 4 stars; one submission).

Conditions:
Malignant tumor of urinary bladder. Also called: Urinary bladder cancer; Urinary Bladder Neoplasms; Bladder cancer. Identifiers: MedGen C0005684, MONDO:0001187, OMIM 109800.

Submission:

Gray Institute for Radiation Oncology & Biology, University of Oxford
Classification: other. Review status: no assertion criteria provided. Collection method: not provided. Allele origin: germline.
Comment: Detected by next-generation sequencing & confirmed by Sanger sequencing

NM_005591.4(MRE11):c.1784-438A>G

Gene: MRE11 (MRE11 double strand break repair nuclease; minus strand). Cytogenetic location: 11q21.
Variant type: single nucleotide variant.
Coding change: c.1784-438A>G on transcript NM_005591.4 (MANE Select); 438 bases into the intron before coding-DNA position 1784, A replaced by G.
Molecular consequence: intron variant.
Genome position (GRCh38, 1-based): chr11:94,446,331, T>C on the plus strand (A>G on the coding strand, the complement: MRE11 is on the minus strand). VCF-style: chr11-94446331-T-C. GRCh37 (hg19) VCF-style: chr11-94179497-T-C.
Other names: c.1784-441A>G (NM_001330347.2); c.1783+888A>G (NM_005590.4).
Identifiers: ClinVar variation 60657 (VCV000060657.1), dbSNP rs397509358, ClinGen allele CA144598.